The following is an entry in ClinVar:

NM_004655.4(AXIN2):c.2162A>G (p.Gln721Arg)

Gene: AXIN2 (axin 2; minus strand). Cytogenetic location: 17q24.1.
Variant type: single nucleotide variant.
Coding change: c.2162A>G on transcript NM_004655.4 (MANE Select); coding-DNA position 2162, A replaced by G.
Protein change: p.Gln721Arg; replaces glutamine 721 with arginine.
Molecular consequence: missense variant.
Genome position (GRCh38, 1-based): chr17:65,535,701, T>C on the plus strand (A>G on the coding strand, the complement: AXIN2 is on the minus strand). VCF-style: chr17-65535701-T-C. GRCh37 (hg19) VCF-style: chr17-63531819-T-C.
Other names: c.1967A>G, p.Gln656Arg (NM_001363813.1); short protein forms Q721R, Q656R.
Identifiers: ClinVar variation 4751658 (VCV004751658.2).

ClinVar aggregate classification (germline): Uncertain significance. Review status: criteria provided, multiple submitters, no conflicts (2 of 4 stars). 2 submissions from 2 submitters: Uncertain significance (2). Last evaluated 2026-07-06.

Conditions:
Oligodontia-cancer predisposition syndrome. Also called: TOOTH AGENESIS-COLORECTAL CANCER SYNDROME. Identifiers: Orphanet 300576, MedGen C1837750, MONDO:0012075, OMIM 608615. Disease mechanism: loss of function.
Hereditary cancer-predisposing syndrome. Also called: Hereditary Cancer Syndrome; Hereditary neoplastic syndrome; Neoplastic Syndromes, Hereditary; Tumor predisposition. Identifiers: Orphanet 140162, MedGen C0027672, MeSH D009386, MONDO:0015356.

Submissions (2):

Ambry Genetics
Classification: Uncertain significance for Hereditary cancer-predisposing syndrome. Last evaluated: 2026-07-06. Review status: criteria provided, single submitter. Criteria: Ambry Variant Classification Scheme 2023. Collection method: clinical testing. Allele origin: germline.
Comment: The p.Q721R variant (also known as c.2162A>G), located in coding exon 8 of the AXIN2 gene, results from an A to G substitution at nucleotide position 2162. The glutamine at codon 721 is replaced by arginine, an amino acid with highly similar properties. This amino acid position is conserved. In addition, this alteration is predicted to be tolerated by in silico analysis. Based on the available evidence, the clinical significance of this variant remains unclear.

Labcorp Genetics (formerly Invitae), Labcorp
Classification: Uncertain significance for Oligodontia-cancer predisposition syndrome. Last evaluated: 2025-04-24. Review status: criteria provided, single submitter. Criteria: Invitae Variant Classification Sherloc (09022015). Collection method: clinical testing. Allele origin: germline.
Comment: This sequence change replaces glutamine, which is neutral and polar, with arginine, which is basic and polar, at codon 721 of the AXIN2 protein (p.Gln721Arg). This variant is not present in population databases (gnomAD no frequency). This variant has not been reported in the literature in individuals affected with AXIN2-related conditions. Invitae Evidence Modeling of protein sequence and biophysical properties (such as structural, functional, and spatial information, amino acid conservation, physicochemical variation, residue mobility, and thermodynamic stability) indicates that this missense variant is not expected to disrupt AXIN2 protein function with a negative predictive value of 80%. In summary, the available evidence is currently insufficient to determine the role of this variant in disease. Therefore, it has been classified as a Variant of Uncertain Significance.